The following is an entry in ClinVar:

NM_014476.6(PDLIM3):c.664G>A (p.Glu222Lys)

Gene: PDLIM3 (PDZ and LIM domain 3; minus strand). Cytogenetic location: 4q35.1.
Variant type: single nucleotide variant.
Coding change: c.664G>A on transcript NM_014476.6 (MANE Select); coding-DNA position 664, G replaced by A.
Protein change: p.Glu222Lys; replaces glutamic acid 222 with lysine.
Molecular consequence: missense variant. On other transcripts: non-coding transcript variant (1).
Genome position (GRCh38, 1-based): chr4:185,506,651, C>T on the plus strand (G>A on the coding strand, the complement: PDLIM3 is on the minus strand). VCF-style: chr4-185506651-C-T. GRCh37 (hg19) VCF-style: chr4-186427805-C-T.
Other names: c.664G>A (NM_014476.4); c.520G>A, p.Glu174Lys (NM_001114107.5); c.400G>A, p.Glu134Lys (NM_001257962.2); c.163G>A, p.Glu55Lys (NM_001257963.2); short protein forms E174K, E134K, E222K, E55K.
Identifiers: ClinVar variation 933364 (VCV000933364.13), dbSNP rs768821275, ClinGen allele CA3159728.

ClinVar aggregate classification (germline): Uncertain significance. Review status: criteria provided, multiple submitters, no conflicts (2 of 4 stars). 3 submissions from 3 submitters: Uncertain significance (3). Last evaluated 2025-02-12.

Conditions:
Hypertrophic cardiomyopathy. Also called: HYPERTROPHIC MYOCARDIOPATHY. Identifiers: Orphanet 217569, MedGen C0007194, MeSH D002312, MONDO:0005045, HP:0001639.
Primary dilated cardiomyopathy (DCM). Also called: Dilated Cardiomyopathy. Identifiers: Orphanet 217604, MedGen C0007193, MeSH D002311, MONDO:0005021, HP:0001644. Inheritance: Various modes of inheritance.

Allele frequency attached by ClinVar (database versions not stated): gnomAD 0.00001; gnomAD exomes 0.00001 and 0.00002; ExAC 0.00002; TOPMed 0.00002.
gnomAD v4.1: 14 of 1,603,898 alleles (0.00087%); highest among the groups gnomAD compares: Middle Eastern, 0.033%; no homozygotes.

Submissions (3):

Labcorp Genetics (formerly Invitae), Labcorp
Classification: Uncertain significance for Hypertrophic cardiomyopathy; Primary dilated cardiomyopathy. Last evaluated: 2025-02-12. Review status: criteria provided, single submitter. Criteria: Invitae Variant Classification Sherloc (09022015). Collection method: clinical testing. Allele origin: germline.
Comment: This sequence change replaces glutamic acid, which is acidic and polar, with lysine, which is basic and polar, at codon 222 of the PDLIM3 protein (p.Glu222Lys). This variant is present in population databases (rs768821275, gnomAD 0.007%). This variant has not been reported in the literature in individuals affected with PDLIM3-related conditions. ClinVar contains an entry for this variant (Variation ID: 933364). An algorithm developed to predict the effect of missense changes on protein structure and function (PolyPhen-2) suggests that this variant is likely to be tolerated. In summary, the available evidence is currently insufficient to determine the role of this variant in disease. Therefore, it has been classified as a Variant of Uncertain Significance.

Ambry Genetics
Classification: Uncertain significance. Last evaluated: 2024-12-21. Review status: criteria provided, single submitter. Criteria: Ambry Variant Classification Scheme 2023. Collection method: clinical testing. Allele origin: germline.

Breakthrough Genomics
Classification: Uncertain significance. Review status: criteria provided, single submitter. Criteria: ACMG Guidelines, 2015. Collection method: not provided. Allele origin: germline. Inheritance: Unknown mechanism. Affected: yes.